The following is an entry in ClinVar:

ClinVar aggregate classification (germline): Benign/Likely benign. Review status: criteria provided, multiple submitters, no conflicts (2 of 4 stars). 10 submissions from 10 submitters: Benign (2); Likely benign (6). 2 of the submissions do not count toward it. Last evaluated 2026-10-01.

Conditions:
ERCC5-related disorder. Also called: ERCC5-related condition.
Cerebrooculofacioskeletal syndrome 3 (COFS3). Identifiers: MedGen C1851443, MONDO:0014696, OMIM 616570.
Xeroderma pigmentosum, group G (XPG). Also called: XERODERMA PIGMENTOSUM VII; XP, GROUP G; Xeroderma pigmentosum type 7; ERCC5-Related Xeroderma Pigmentosum. Identifiers: MedGen C0268141, MONDO:0010216, OMIM 278780.

Allele frequency attached by ClinVar (database versions not stated): gnomAD 0.00341; TOPMed 0.00357; 1000 Genomes Project 0.00459; 1000 Genomes Project 30x 0.00500; ExAC 0.00105; ESP Exome Variant Server 0.00277.
gnomAD v4.1: 1,069 of 1,614,090 alleles (0.066%); highest among the groups gnomAD compares: African/African-American, 1%; 6 homozygotes.

Submissions (10):

CeGaT Center for Human Genetics Tuebingen
Classification: Likely benign. Last evaluated: 2026-10-01. Review status: criteria provided, single submitter. Criteria: CeGaT Center For Human Genetics Tuebingen Variant Classification Criteria Version 2. Collection method: clinical testing. Allele origin: germline. Affected: yes. Observed: 8 variant alleles.
Comment: ERCC5: BP4, BS1

Labcorp Genetics (formerly Invitae), Labcorp
Classification: Benign. Last evaluated: 2026-01-29. Review status: criteria provided, single submitter. Criteria: Invitae Variant Classification Sherloc (09022015). Collection method: clinical testing. Allele origin: germline.

Genomic Medicine Center of Excellence, King Faisal Specialist Hospital and Research Centre
Classification: Likely benign. Last evaluated: 2025-08-18. Review status: criteria provided, single submitter. Criteria: ACMG Guidelines, 2015. Collection method: clinical testing. Allele origin: germline.

Blueprint Genetics
Classification: Likely benign. Last evaluated: 2024-11-25. Review status: criteria provided, single submitter. Criteria: ACMG Guidelines, 2015. Collection method: clinical testing. Allele origin: germline.

Fulgent Genetics
Classification: Likely benign for Xeroderma pigmentosum, group G; Cerebrooculofacioskeletal syndrome 3. Last evaluated: 2022-05-20. Review status: criteria provided, single submitter. Criteria: ACMG Guidelines, 2015. Collection method: clinical testing. Allele origin: unknown.

GeneDx
Classification: Likely benign. Last evaluated: 2021-03-19. Review status: criteria provided, single submitter. Criteria: GeneDx Variant Classification Process June 2021. Collection method: clinical testing. Allele origin: germline. Affected: yes.

Illumina Laboratory Services, Illumina
Classification: Benign for Xeroderma pigmentosum, group G. Last evaluated: 2018-01-12. Review status: criteria provided, single submitter. Criteria: ICSL Variant Classification Criteria 13 December 2019. Collection method: clinical testing. Allele origin: germline.
Comment: This variant was observed in the ICSL laboratory as part of a predisposition screen in an ostensibly healthy population. It had not been previously curated by ICSL or reported in the Human Gene Mutation Database (HGMD: prior to June 1st, 2018), and was therefore a candidate for classification through an automated scoring system. Utilizing variant allele frequency, disease prevalence and penetrance estimates, and inheritance mode, an automated score was calculated to assess if this variant is too frequent to cause the disease. Based on the score and internal cut-off values, a variant classified as benign is not then subjected to further curation. The score for this variant resulted in a classification of benign for this disease.

Breakthrough Genomics
Classification: Likely benign. Review status: criteria provided, single submitter. Criteria: ACMG Guidelines, 2015. Collection method: not provided. Allele origin: germline. Inheritance: Autosomal recessive inheritance. Affected: yes.

PreventionGenetics, part of Exact Sciences
Classification: Benign for ERCC5-related condition. Last evaluated: 2020-01-03. Review status: no assertion criteria provided. Collection method: clinical testing. Allele origin: germline. Not counted in ClinVar's aggregate classification.
Comment: This variant is classified as benign based on ACMG/AMP sequence variant interpretation guidelines (Richards et al. 2015 PMID: 25741868, with internal and published modifications).

ITMI
No classification provided. Condition: AllHighlyPenetrant. Last evaluated: 2013-09-19. Review status: no classification provided. Collection method: reference population. Allele origin: germline. Not counted in ClinVar's aggregate classification.
Comment: Please see associated publication for description of ethnicities

Literature cited by the submitters: PubMed 24728327 (cited by ITMI).

NM_000123.4(ERCC5):c.641G>A (p.Arg214His)

Genes: BIVM-ERCC5 (BIVM-ERCC5 readthrough; plus strand), ERCC5 (ERCC excision repair 5, endonuclease; plus strand). Cytogenetic location: 13q33.1.
Variant type: single nucleotide variant.
Coding change: c.641G>A on transcript NM_000123.4 (MANE Select); coding-DNA position 641, G replaced by A.
Protein change: p.Arg214His; replaces arginine 214 with histidine.
Molecular consequence: missense variant.
Genome position (GRCh38, 1-based): chr13:102,858,387, G>A. VCF-style: chr13-102858387-G-A. GRCh37 (hg19) VCF-style: chr13-103510737-G-A.
Other names: c.2003G>A, p.Arg668His (NM_001204425.2); short protein forms R214H, R668H.
Identifiers: ClinVar variation 134181 (VCV000134181.45), dbSNP rs146833751, ClinGen allele CA159026.